The following is an entry in ClinVar:

NM_001854.4(COL11A1):c.4229G>A (p.Arg1410Gln)

Gene: COL11A1 (collagen type XI alpha 1 chain; minus strand). Cytogenetic location: 1p21.1.
Variant type: single nucleotide variant.
Coding change: c.4229G>A on transcript NM_001854.4 (MANE Select); coding-DNA position 4229, G replaced by A.
Protein change: p.Arg1410Gln; replaces arginine 1410 with glutamine.
Molecular consequence: missense variant. On other transcripts: non-coding transcript variant (1).
Genome position (GRCh38, 1-based): chr1:102,898,685, C>T on the plus strand (G>A on the coding strand, the complement: COL11A1 is on the minus strand). VCF-style: chr1-102898685-C-T. GRCh37 (hg19) VCF-style: chr1-103364241-C-T.
Other names: c.4229G>A (NM_001854.3); c.3881G>A, p.Arg1294Gln (NM_001168249.1, NM_080630.4); c.4112G>A, p.Arg1371Gln (NM_001190709.2); c.4265G>A, p.Arg1422Gln (NM_080629.3); short protein forms R1294Q, R1371Q, R1410Q, R1422Q.
Identifiers: ClinVar variation 2958107 (VCV002958107.4), dbSNP rs768171353, ClinGen allele CA973629.

ClinVar aggregate classification (germline): Conflicting classifications of pathogenicity. Review status: criteria provided, conflicting classifications (1 of 4 stars). 2 submissions from 2 submitters: Uncertain significance (1); Likely benign (1). Last evaluated 2025-10-11.

Conditions:
COL11A1-related disorder. Also called: COL11A1-related condition; COL11A1-related disorders.

Allele frequency attached by ClinVar (database versions not stated): ExAC 0.00001; gnomAD 0.00001; gnomAD exomes 0.00001.
gnomAD v4.1: 11 of 1,612,300 alleles (0.00068%); highest among the groups gnomAD compares: East Asian, 0.0022%; no homozygotes.

Submissions (2):

Labcorp Genetics (formerly Invitae), Labcorp
Classification: Likely benign. Last evaluated: 2025-10-11. Review status: criteria provided, single submitter. Criteria: Invitae Variant Classification Sherloc (09022015). Collection method: clinical testing. Allele origin: germline.

PreventionGenetics, part of Exact Sciences
Classification: Uncertain significance for COL11A1-related condition. Last evaluated: 2025-02-06. Review status: criteria provided, single submitter. Criteria: ACMG Guidelines, 2015. Collection method: clinical testing. Allele origin: germline.
Comment: The COL11A1 c.4229G>A variant is predicted to result in the amino acid substitution p.Arg1410Gln. To our knowledge, this variant has not been reported in the literature. This variant is reported in 0.00088% of alleles in individuals of European (Non-Finnish) descent in gnomAD. At this time, the clinical significance of this variant is uncertain due to the absence of conclusive functional and genetic evidence.